The following is an entry in ClinVar:

NM_025207.5(FLAD1):c.982G>T (p.Asp328Tyr)

Gene: FLAD1 (flavin adenine dinucleotide synthetase 1; plus strand). Cytogenetic location: 1q21.3.
Variant type: single nucleotide variant.
Coding change: c.982G>T on transcript NM_025207.5 (MANE Select); coding-DNA position 982, G replaced by T.
Protein change: p.Asp328Tyr; replaces aspartic acid 328 with tyrosine.
Molecular consequence: missense variant.
Genome position (GRCh38, 1-based): chr1:154,988,714, G>T. VCF-style: chr1-154988714-G-T. GRCh37 (hg19) VCF-style: chr1-154961190-G-T.
Other names: c.691G>T, p.Asp231Tyr (NM_001184891.2, NM_201398.3); c.685G>T, p.Asp229Tyr (NM_001184892.2); short protein forms D231Y, D328Y, D229Y.
Identifiers: ClinVar variation 1942505 (VCV001942505.5), dbSNP rs2525782821, ClinGen allele CA342748722.

ClinVar aggregate classification (germline): Uncertain significance (1 of 4 stars; one submission).

Allele frequency attached by ClinVar (database versions not stated): gnomAD exomes 0.00001.
gnomAD v4.1: 7 of 1,614,216 alleles (0.00043%); highest among the groups gnomAD compares: Non-Finnish European, 0.00059%; no homozygotes.

Submission:

Labcorp Genetics (formerly Invitae), Labcorp
Classification: Uncertain significance. Last evaluated: 2022-07-01. Review status: criteria provided, single submitter. Criteria: Invitae Variant Classification Sherloc (09022015). Collection method: clinical testing. Allele origin: germline.
Comment: In summary, the available evidence is currently insufficient to determine the role of this variant in disease. Therefore, it has been classified as a Variant of Uncertain Significance. Algorithms developed to predict the effect of missense changes on protein structure and function are either unavailable or do not agree on the potential impact of this missense change (SIFT: "Deleterious"; PolyPhen-2: "Probably Damaging"; Align-GVGD: "Class C0"). This variant has not been reported in the literature in individuals affected with FLAD1-related conditions. This variant is not present in population databases (gnomAD no frequency). This sequence change replaces aspartic acid, which is acidic and polar, with tyrosine, which is neutral and polar, at codon 328 of the FLAD1 protein (p.Asp328Tyr).